The following is an entry in ClinVar:

NM_000414.4(HSD17B4):c.280G>T (p.Asp94Tyr)

Gene: HSD17B4 (hydroxysteroid 17-beta dehydrogenase 4; plus strand). Cytogenetic location: 5q23.1.
Variant type: single nucleotide variant.
Coding change: c.280G>T on transcript NM_000414.4 (MANE Select); coding-DNA position 280, G replaced by T.
Protein change: p.Asp94Tyr; replaces aspartic acid 94 with tyrosine.
Molecular consequence: missense variant. On other transcripts: 5 prime UTR variant (6), non-coding transcript variant (2).
Genome position (GRCh38, 1-based): chr5:119,474,460, G>T. VCF-style: chr5-119474460-G-T. GRCh37 (hg19) VCF-style: chr5-118810155-G-T.
Other names: NC_000005.9:g.118810155G>T; c.355G>T, p.Asp119Tyr (NM_001199291.3); c.226G>T, p.Asp76Tyr (NM_001199292.2); c.208G>T, p.Asp70Tyr (NM_001292027.2); c.-132G>T (NM_001292028.2, NM_001374501.1, NM_001374502.1 and 1 more transcripts); c.280G>T, p.Asp94Tyr (NM_001374497.1, NM_001374498.1); c.-1G>T (NM_001374499.1); c.-259G>T (NM_001374500.1); short protein forms D119Y, D70Y, D76Y, D94Y.
Identifiers: ClinVar variation 1304769 (VCV001304769.3), dbSNP rs1748381199, ClinGen allele CA360864661.

ClinVar aggregate classification (germline): Uncertain significance (1 of 4 stars; one submission).

Submissions (2):

GeneDx
Classification: Uncertain significance. Last evaluated: 2019-03-20. Review status: criteria provided, single submitter. Criteria: GeneDx Variant Classification Process June 2021. Collection method: clinical testing. Allele origin: germline. Affected: yes.
Comment: Has not been previously published as pathogenic or benign to our knowledge

Dr. Peter K. Rogan Lab, Western University
No classification provided (evidence only). Condition: Cervical cancer. Review status: no classification provided. Collection method: in vitro. Allele origin: not applicable. Functional consequence: retained intron. Not counted in ClinVar's aggregate classification.